The following is an entry in ClinVar:

ClinVar aggregate classification (germline): Uncertain significance. Review status: criteria provided, multiple submitters, no conflicts (2 of 4 stars). 2 submissions from 2 submitters: Uncertain significance (2). Last evaluated 2025-11-03.

Conditions:
Hereditary cancer-predisposing syndrome. Also called: Hereditary Cancer Syndrome; Tumor predisposition; Neoplastic Syndromes, Hereditary; Hereditary neoplastic syndrome. Identifiers: Orphanet 140162, MedGen C0027672, MeSH D009386, MONDO:0015356.
Gorlin syndrome. Also called: Basal cell nevus syndrome; Nevoid Basal Cell Carcinoma Syndrome. Identifiers: Orphanet 377, MedGen C0004779, MONDO:0007187.
Medulloblastoma (MDB). Also called: Medulloblastoma, somatic; MEDULLOBLASTOMA PREDISPOSITION SYNDROME. Identifiers: Orphanet 616, MedGen C0025149, MeSH D008527, MONDO:0007959, OMIM 155255, HP:0002885.

Allele frequency attached by ClinVar (database versions not stated): gnomAD exomes 0.00001.
gnomAD v4.1: 6 of 1,614,144 alleles (0.00037%); highest among the groups gnomAD compares: Non-Finnish European, 0.00042%; no homozygotes.

Submissions (2):

Labcorp Genetics (formerly Invitae), Labcorp
Classification: Uncertain significance for Gorlin syndrome; Medulloblastoma. Last evaluated: 2025-11-03. Review status: criteria provided, single submitter. Criteria: Invitae Variant Classification Sherloc (09022015). Collection method: clinical testing. Allele origin: germline.
Comment: This sequence change replaces tryptophan, which is neutral and slightly polar, with arginine, which is basic and polar, at codon 233 of the SUFU protein (p.Trp233Arg). This variant is not present in population databases (gnomAD no frequency). This variant has not been reported in the literature in individuals affected with SUFU-related conditions. ClinVar contains an entry for this variant (Variation ID: 651235). Invitae Evidence Modeling of protein sequence and biophysical properties (such as structural, functional, and spatial information, amino acid conservation, physicochemical variation, residue mobility, and thermodynamic stability) has been performed for this missense variant. However, the output from this modeling did not meet the statistical confidence thresholds required to predict the impact of this variant on SUFU protein function. In summary, the available evidence is currently insufficient to determine the role of this variant in disease. Therefore, it has been classified as a Variant of Uncertain Significance.

Ambry Genetics
Classification: Uncertain significance for Hereditary cancer-predisposing syndrome. Last evaluated: 2024-04-20. Review status: criteria provided, single submitter. Criteria: Ambry Variant Classification Scheme 2023. Collection method: clinical testing. Allele origin: germline.
Comment: The p.W233R variant (also known as c.697T>C), located in coding exon 6 of the SUFU gene, results from a T to C substitution at nucleotide position 697. The tryptophan at codon 233 is replaced by arginine, an amino acid with dissimilar properties. This amino acid position is conserved. In addition, this alteration is predicted to be deleterious by in silico analysis. Since supporting evidence is limited at this time, the clinical significance of this alteration remains unclear.

NM_016169.4(SUFU):c.697T>C (p.Trp233Arg)

Gene: SUFU (SUFU negative regulator of hedgehog signaling; plus strand). Cytogenetic location: 10q24.32.
Variant type: single nucleotide variant.
Coding change: c.697T>C on transcript NM_016169.4 (MANE Select); coding-DNA position 697, T replaced by C.
Protein change: p.Trp233Arg; replaces tryptophan 233 with arginine.
Molecular consequence: missense variant.
Genome position (GRCh38, 1-based): chr10:102,594,006, T>C. VCF-style: chr10-102594006-T-C. GRCh37 (hg19) VCF-style: chr10-104353763-T-C.
Other names: c.697T>C, p.Trp233Arg (NM_001178133.2); short protein forms W233R.
Identifiers: ClinVar variation 651235 (VCV000651235.12), dbSNP rs1590063333, ClinGen allele CA377909737.